The following is an entry in ClinVar:

ClinVar aggregate classification (germline): Likely pathogenic (1 of 4 stars; one submission).

Submission:

GeneDx
Classification: Likely pathogenic. Last evaluated: 2023-10-12. Review status: criteria provided, single submitter. Criteria: GeneDx Variant Classification Process June 2021. Collection method: clinical testing. Allele origin: germline. Affected: yes.
Comment: Intronic +5 splice site variant in a gene for which loss of function is a known mechanism of disease, and both splice predictors and evolutionary conservation support a deleterious effect, although in the absence of functional evidence the actual effect of this sequence change is unknown; Not observed at significant frequency in large population cohorts (gnomAD); Has not been previously published as pathogenic or benign to our knowledge

NM_032620.4(GTPBP3):c.388+5G>C

Gene: GTPBP3 (GTP binding protein 3, mitochondrial; plus strand). Cytogenetic location: 19p13.11.
Variant type: single nucleotide variant.
Coding change: c.388+5G>C on transcript NM_032620.4 (MANE Select); 5 bases into the intron after coding-DNA position 388, G replaced by C.
Molecular consequence: intron variant.
Genome position (GRCh38, 1-based): chr19:17,338,456, G>C. VCF-style: chr19-17338456-G-C. GRCh37 (hg19) VCF-style: chr19-17449265-G-C.
Other names: c.454+5G>C (NM_001195422.1); c.388+5G>C (NM_133644.4, NM_001128855.3).
Identifiers: ClinVar variation 504381 (VCV000504381.6), dbSNP rs748022451, ClinGen allele CA632134104.